The following is an entry in ClinVar:

ClinVar aggregate classification (germline): Uncertain significance (1 of 4 stars; one submission).

Submission:

CeGaT Center for Human Genetics Tuebingen
Classification: Uncertain significance. Last evaluated: 2023-02-01. Review status: criteria provided, single submitter. Criteria: CeGaT Center For Human Genetics Tuebingen Variant Classification Criteria Version 2. Collection method: clinical testing. Allele origin: germline. Affected: yes. Observed: 1 variant allele.
Comment: KNDC1: PM2

NM_152643.8(KNDC1):c.1486G>A (p.Val496Met)

Gene: KNDC1 (kinase non-catalytic C-lobe domain containing 1; plus strand). Cytogenetic location: 10q26.3.
Variant type: single nucleotide variant.
Coding change: c.1486G>A on transcript NM_152643.8 (MANE Select); coding-DNA position 1486, G replaced by A.
Protein change: p.Val496Met; replaces valine 496 with methionine.
Molecular consequence: missense variant.
Genome position (GRCh38, 1-based): chr10:133,189,642, G>A. VCF-style: chr10-133189642-G-A. GRCh37 (hg19) VCF-style: chr10-135003146-G-A.
Other names: c.1486G>A, p.Val496Met (NM_033404.2); short protein forms V496M.
Identifiers: ClinVar variation 2640999 (VCV002640999.24), dbSNP rs2540507070, ClinGen allele CA378807293.
Genomic context (GRCh38, chr10:133,189,642, plus strand): 5'-CCAAGCTCTGCCACAGCCTACCTGTGTCTGGACTCCGTGCTGGTTGCTGAGGACGGGGCT[G>A]TGCTCTTCCAGCCACCCCCTGCCAACGGTGAGTGTGTGGGTTCCCCTCAGGCCGAGTCCA-3'
Protein context (NP_689856.6, residues 486-506): DSVLVAEDGA[Val496Met]LFQPPPANGS